The following is an entry in ClinVar:

NM_078470.6(COX15):c.988-2A>T

Gene: COX15 (cytochrome c oxidase assembly factor COX15; minus strand). Cytogenetic location: 10q24.2.
Variant type: single nucleotide variant.
Coding change: c.988-2A>T on transcript NM_078470.6 (MANE Select); the canonical splice acceptor site of the intron before coding-DNA position 988, A replaced by T.
Molecular consequence: splice acceptor variant. On other transcripts: missense variant (1).
Genome position (GRCh38, 1-based): chr10:99,716,463, T>A on the plus strand (A>T on the coding strand, the complement: COX15 is on the minus strand). VCF-style: chr10-99716463-T-A. GRCh37 (hg19) VCF-style: chr10-101476220-T-A.
Other names: c.1004A>T, p.Gln335Leu (NM_001372025.1); c.988-2A>T (NM_001320974.2, NM_001372027.1, NM_004376.7 and 1 more transcripts); c.451-2A>T (NM_001320976.2); c.961-2A>T (NM_001372026.1); c.833-2A>T (NM_001372028.1, NM_001320975.2); short protein forms Q335L.
Identifiers: ClinVar variation 2987068 (VCV002987068.3), dbSNP rs775234363, ClinGen allele CA5642113.
Genomic context (GRCh38, chr10:99,716,463, plus strand): 5'-AGGGGAATTCTCCGAGAGAGGAAGTAGAGCACTGTAATGGCAGTGACTGAAGTGATTCCC[T>A]GCAGGGAAGAAAGAGTCTATCACATTAGATAGAAGTGCCAGGTTTCTAACTCACCTTACA-3'

ClinVar aggregate classification (germline): Conflicting classifications of pathogenicity. Review status: criteria provided, conflicting classifications (1 of 4 stars). 2 submissions from 2 submitters: Likely pathogenic (1); Uncertain significance (1). Last evaluated 2025-03-18.

Allele frequency attached by ClinVar (database versions not stated): ExAC 0.00001; gnomAD 0.00001; TOPMed 0.00001.
gnomAD v4.1: 30 of 1,597,894 alleles (0.0019%); highest among the groups gnomAD compares: Non-Finnish European, 0.0026%; no homozygotes.

Submissions (2):

Labcorp Genetics (formerly Invitae), Labcorp
Classification: Likely pathogenic. Last evaluated: 2025-03-18. Review status: criteria provided, single submitter. Criteria: Invitae Variant Classification Sherloc (09022015). Collection method: clinical testing. Allele origin: germline.
Comment: This sequence change affects an acceptor splice site in intron 7 of the COX15 gene. It is expected to disrupt RNA splicing. Variants that disrupt the donor or acceptor splice site typically lead to a loss of protein function (PMID: 16199547), and loss-of-function variants in COX15 are known to be pathogenic (PMID: 15863660, 21412973). This variant is present in population databases (rs775234363, gnomAD 0.002%). This variant has not been reported in the literature in individuals affected with COX15-related conditions. ClinVar contains an entry for this variant (Variation ID: 2987068). Algorithms developed to predict the effect of sequence changes on RNA splicing suggest that this variant may disrupt the consensus splice site. In summary, the currently available evidence indicates that the variant is pathogenic, but additional data are needed to prove that conclusively. Therefore, this variant has been classified as Likely Pathogenic.

Blueprint Genetics
Classification: Uncertain significance. Last evaluated: 2024-04-19. Review status: criteria provided, single submitter. Criteria: ACMG Guidelines, 2015. Collection method: clinical testing. Allele origin: germline.

Literature cited by the submitters: PubMed 16199547 (cited by Labcorp Genetics (formerly Invitae), Labcorp); PubMed 15863660 (cited by Labcorp Genetics (formerly Invitae), Labcorp); PubMed 21412973 (cited by Labcorp Genetics (formerly Invitae), Labcorp).